The following is an entry in ClinVar:

NM_001080.3(ALDH5A1):c.1163C>A (p.Ala388Glu)

Gene: ALDH5A1 (aldehyde dehydrogenase 5 family member A1; plus strand). Cytogenetic location: 6p22.3.
Variant type: single nucleotide variant.
Coding change: c.1163C>A on transcript NM_001080.3 (MANE Select); coding-DNA position 1163, C replaced by A.
Protein change: p.Ala388Glu; replaces alanine 388 with glutamic acid.
Molecular consequence: missense variant.
Genome position (GRCh38, 1-based): chr6:24,522,915, C>A. VCF-style: chr6-24522915-C-A. GRCh37 (hg19) VCF-style: chr6-24523143-C-A.
Other names: c.1019C>A, p.Ala340Glu (NM_001368954.1); c.1202C>A, p.Ala401Glu (NM_170740.1); short protein forms A388E, A401E, A340E.
Identifiers: ClinVar variation 2570591 (VCV002570591.2), dbSNP rs536355368, ClinGen allele CA362976649.

ClinVar aggregate classification (germline): Uncertain significance (1 of 4 stars; one submission).

Conditions:
Succinate-semialdehyde dehydrogenase deficiency (SSADHD). Also called: 4-HYDROXYBUTYRIC ACIDURIA; GABA METABOLIC DEFECT; Succinic Semialdehyde Dehydrogenase Deficiency; SSADH DEFICIENCY. Identifiers: Orphanet 22, MedGen C0268631, MONDO:0010083, OMIM 271980.

Submission:

Intergen Genetics and Rare Diseases Diagnosis Center
Classification: Uncertain significance for Succinate-semialdehyde dehydrogenase deficiency. Last evaluated: 2023-07-06. Review status: criteria provided, single submitter. Criteria: ACMG Guidelines, 2015. Collection method: clinical testing. Allele origin: unknown. Inheritance: Autosomal recessive inheritance. Affected: no. Observed: 1 heterozygote.
Comment: PM2, PP3